The following is an entry in ClinVar:

NM_000807.4(GABRA2):c.923C>T (p.Ala308Val)

Gene: GABRA2 (gamma-aminobutyric acid type A receptor subunit alpha2; minus strand). Cytogenetic location: 4p12.
Variant type: single nucleotide variant.
Coding change: c.923C>T on transcript NM_000807.4 (MANE Select); coding-DNA position 923, C replaced by T.
Protein change: p.Ala308Val; replaces alanine 308 with valine.
Molecular consequence: missense variant.
Genome position (GRCh38, 1-based): chr4:46,262,062, G>A on the plus strand (C>T on the coding strand, the complement: GABRA2 is on the minus strand). VCF-style: chr4-46262062-G-A. GRCh37 (hg19) VCF-style: chr4-46264079-G-A.
Other names: c.923C>T, p.Ala308Val (NM_001114175.3, NM_001330690.2, NM_001377144.1 and 8 more transcripts); c.758C>T, p.Ala253Val (NM_001286827.3, NM_001377152.1, NM_001377153.1 and 1 more transcripts); short protein forms A253V, A308V.
Identifiers: ClinVar variation 1334582 (VCV001334582.8), dbSNP rs2109351550, ClinGen allele CA356804415.

ClinVar aggregate classification (germline): Conflicting classifications of pathogenicity. Review status: criteria provided, conflicting classifications (1 of 4 stars). 2 submissions from 2 submitters: Pathogenic (1); Uncertain significance (1). Last evaluated 2025-05-12.

Conditions:
Developmental and epileptic encephalopathy, 78. Also called: EPILEPTIC ENCEPHALOPATHY, EARLY INFANTILE, 78. Identifiers: MedGen C5231409, MONDO:0032812, OMIM 618557.

Submissions (2):

Greenwood Genetic Center Diagnostic Laboratories, Greenwood Genetic Center
Classification: Pathogenic for Developmental and epileptic encephalopathy, 78. Last evaluated: 2025-05-12. Review status: criteria provided, single submitter. Criteria: ACMG Guidelines, 2015. Collection method: clinical testing. Allele origin: germline. Affected: yes.
Comment: PS2, PS3, PM2, PP2, PP3, PS4_supporting

Labcorp Genetics (formerly Invitae), Labcorp
Classification: Uncertain significance. Last evaluated: 2023-10-13. Review status: criteria provided, single submitter. Criteria: Invitae Variant Classification Sherloc (09022015). Collection method: clinical testing. Allele origin: germline.
Comment: This sequence change replaces alanine, which is neutral and non-polar, with valine, which is neutral and non-polar, at codon 308 of the GABRA2 protein (p.Ala308Val). This variant is not present in population databases (gnomAD no frequency). This variant has not been reported in the literature in individuals affected with GABRA2-related conditions. ClinVar contains an entry for this variant (Variation ID: 1334582). An algorithm developed to predict the effect of missense changes on protein structure and function (PolyPhen-2) suggests that this variant is likely to be disruptive. In summary, the available evidence is currently insufficient to determine the role of this variant in disease. Therefore, it has been classified as a Variant of Uncertain Significance.